The following is an entry in ClinVar:

NM_005505.5(SCARB1):c.130G>A (p.Val44Met)

Gene: SCARB1 (scavenger receptor class B member 1; minus strand). Cytogenetic location: 12q24.31.
Variant type: single nucleotide variant.
Coding change: c.130G>A on transcript NM_005505.5 (MANE Select); coding-DNA position 130, G replaced by A.
Protein change: p.Val44Met; replaces valine 44 with methionine.
Molecular consequence: missense variant. On other transcripts: non-coding transcript variant (9).
Genome position (GRCh38, 1-based): chr12:124,817,704, C>T on the plus strand (G>A on the coding strand, the complement: SCARB1 is on the minus strand). VCF-style: chr12-124817704-C-T. GRCh37 (hg19) VCF-style: chr12-125302250-C-T.
Other names: c.130G>A, p.Val44Met (NM_001367985.1, NM_001367986.1, NM_001367987.1 and 6 more transcripts); c.7G>A, p.Val3Met (NM_001367982.1); short protein forms V3M, V44M.
Identifiers: ClinVar variation 3607396 (VCV003607396.2).
Genomic context (GRCh38, chr12:124,817,704, plus strand): 5'-AGAAGGGGATAGGGATCTCCTTCCACATGTTGAAGGACAGGCTACTGGGGTCGATGCGCA[C>T]GTTCTGCAGGGGAAGGGACAAGTACGCTTGTGAGGAGAGTGATGAGGGCCCCACGCCCCA-3'
Protein context (NP_005496.4, residues 34-54): SLIKQQVLKN[Val44Met]RIDPSSLSFN

ClinVar aggregate classification (germline): Uncertain significance (1 of 4 stars; one submission).

Submission:

Labcorp Genetics (formerly Invitae), Labcorp
Classification: Uncertain significance. Last evaluated: 2024-03-07. Review status: criteria provided, single submitter. Criteria: Invitae Variant Classification Sherloc (09022015). Collection method: clinical testing. Allele origin: germline.
Comment: This sequence change replaces valine, which is neutral and non-polar, with methionine, which is neutral and non-polar, at codon 44 of the SCARB1 protein (p.Val44Met). This variant is present in population databases (no rsID available, gnomAD 0.0009%). This variant has not been reported in the literature in individuals affected with SCARB1-related conditions. Advanced modeling of protein sequence and biophysical properties (such as structural, functional, and spatial information, amino acid conservation, physicochemical variation, residue mobility, and thermodynamic stability) performed at Invitae indicates that this missense variant is not expected to disrupt SCARB1 protein function with a negative predictive value of 80%. In summary, the available evidence is currently insufficient to determine the role of this variant in disease. Therefore, it has been classified as a Variant of Uncertain Significance.